The following is an entry in ClinVar:

ClinVar aggregate classification (germline): Uncertain significance. Review status: criteria provided, multiple submitters, no conflicts (2 of 4 stars). 3 submissions from 3 submitters: Uncertain significance (2). 1 of the submissions does not count toward it. Last evaluated 2024-11-16.

Conditions:
Hereditary cancer-predisposing syndrome. Also called: Neoplastic Syndromes, Hereditary; Hereditary Cancer Syndrome; Tumor predisposition; Hereditary neoplastic syndrome. Identifiers: Orphanet 140162, MedGen C0027672, MeSH D009386, MONDO:0015356.
Bloom syndrome (BLM). Also called: Bloom-Torre-Machacek syndrome. Identifiers: Orphanet 125, MedGen C0005859, MONDO:0008876, OMIM 210900.

Allele frequency attached by ClinVar (database versions not stated): gnomAD exomes below 0.00001; ExAC 0.00001; TOPMed 0.00001; ESP Exome Variant Server 0.00008.
gnomAD v4.1: 5 of 1,614,110 alleles (0.00031%); highest among the groups gnomAD compares: Non-Finnish European, 0.00025%; no homozygotes.

Submissions (3):

Ambry Genetics
Classification: Uncertain significance for Hereditary cancer-predisposing syndrome. Last evaluated: 2024-11-16. Review status: criteria provided, single submitter. Criteria: Ambry Variant Classification Scheme 2023. Collection method: clinical testing. Allele origin: germline.
Comment: The p.I243T variant (also known as c.728T>C), located in coding exon 2 of the BLM gene, results from a T to C substitution at nucleotide position 728. The isoleucine at codon 243 is replaced by threonine, an amino acid with similar properties. This amino acid position is conserved. In addition, this alteration is predicted to be tolerated by in silico analysis. Since supporting evidence is limited at this time, the clinical significance of this alteration remains unclear.

Labcorp Genetics (formerly Invitae), Labcorp
Classification: Uncertain significance for Bloom syndrome. Last evaluated: 2024-08-31. Review status: criteria provided, single submitter. Criteria: Invitae Variant Classification Sherloc (09022015). Collection method: clinical testing. Allele origin: germline.
Comment: This sequence change replaces isoleucine, which is neutral and non-polar, with threonine, which is neutral and polar, at codon 243 of the BLM protein (p.Ile243Thr). This variant is present in population databases (rs200000438, gnomAD 0.0009%). This variant has not been reported in the literature in individuals affected with BLM-related conditions. ClinVar contains an entry for this variant (Variation ID: 970882). An algorithm developed to predict the effect of missense changes on protein structure and function (PolyPhen-2) suggests that this variant is likely to be tolerated. In summary, the available evidence is currently insufficient to determine the role of this variant in disease. Therefore, it has been classified as a Variant of Uncertain Significance.

Natera, Inc.
Classification: Uncertain significance for Bloom syndrome. Last evaluated: 2018-11-04. Review status: no assertion criteria provided. Collection method: clinical testing. Allele origin: germline. Not counted in ClinVar's aggregate classification.

NM_000057.4(BLM):c.728T>C (p.Ile243Thr)

Gene: BLM (BLM RecQ like helicase; plus strand). Cytogenetic location: 15q26.1.
Variant type: single nucleotide variant.
Coding change: c.728T>C on transcript NM_000057.4 (MANE Select); coding-DNA position 728, T replaced by C.
Protein change: p.Ile243Thr; replaces isoleucine 243 with threonine.
Molecular consequence: missense variant. On other transcripts: 5 prime UTR variant (1).
Genome position (GRCh38, 1-based): chr15:90,749,996, T>C. VCF-style: chr15-90749996-T-C. GRCh37 (hg19) VCF-style: chr15-91293226-T-C.
Other names: c.728T>C, p.Ile243Thr (NM_001287246.2, NM_001287247.2); c.-564T>C (NM_001287248.2); c.728T>C (NM_000057.2); short protein forms I243T.
Identifiers: ClinVar variation 970882 (VCV000970882.15), dbSNP rs200000438, ClinGen allele CA7738340.
Genomic context (GRCh38, chr15:90,749,996, plus strand): 5'-AACAGAAGGATGACTCAGAATGGTTAAGCAGCGATGTGATTTGCATCGATGATGGCCCCA[T>C]TGCTGAAGTGCATATAAATGAAGATGCTCAGGAAAGTGACTCTCTGAAAACTCATTTGGA-3'
Protein context (NP_000048.1, residues 233-253): SDVICIDDGP[Ile243Thr]AEVHINEDAQ